The following is an entry in ClinVar:

ClinVar aggregate classification (germline): Uncertain significance (1 of 4 stars; one submission).

Submission:

Labcorp Genetics (formerly Invitae), Labcorp
Classification: Uncertain significance. Last evaluated: 2022-04-08. Review status: criteria provided, single submitter. Criteria: Invitae Variant Classification Sherloc (09022015). Collection method: clinical testing. Allele origin: germline.
Comment: This sequence change replaces histidine, which is basic and polar, with arginine, which is basic and polar, at codon 505 of the EIF2AK3 protein (p.His505Arg). This variant is not present in population databases (gnomAD no frequency). This variant has not been reported in the literature in individuals affected with EIF2AK3-related conditions. Algorithms developed to predict the effect of missense changes on protein structure and function (SIFT, PolyPhen-2, Align-GVGD) all suggest that this variant is likely to be tolerated. In summary, the available evidence is currently insufficient to determine the role of this variant in disease. Therefore, it has been classified as a Variant of Uncertain Significance.

NM_004836.7(EIF2AK3):c.1514A>G (p.His505Arg)

Gene: EIF2AK3 (eukaryotic translation initiation factor 2 alpha kinase 3; minus strand). Cytogenetic location: 2p11.2.
Variant type: single nucleotide variant.
Coding change: c.1514A>G on transcript NM_004836.7 (MANE Select); coding-DNA position 1514, A replaced by G.
Protein change: p.His505Arg; replaces histidine 505 with arginine.
Molecular consequence: missense variant.
Genome position (GRCh38, 1-based): chr2:88,585,977, T>C on the plus strand (A>G on the coding strand, the complement: EIF2AK3 is on the minus strand). VCF-style: chr2-88585977-T-C. GRCh37 (hg19) VCF-style: chr2-88885495-T-C.
Other names: c.1061A>G, p.His354Arg (NM_001313915.2); short protein forms H354R, H505R.
Identifiers: ClinVar variation 2078893 (VCV002078893.1), dbSNP rs2529156936, ClinGen allele CA347594522.